The following is an entry in ClinVar:

NM_001005273.3(CHD3):c.5448G>A (p.Leu1816=)

Gene: CHD3 (chromodomain helicase DNA binding protein 3; plus strand). Cytogenetic location: 17p13.1.
Variant type: single nucleotide variant.
Coding change: c.5448G>A on transcript NM_001005273.3 (MANE Select); coding-DNA position 5448, G replaced by A.
Protein change: p.Leu1816=; no amino-acid change (leucine 1816 retained).
Molecular consequence: synonymous variant.
Genome position (GRCh38, 1-based): chr17:7,909,196, G>A. VCF-style: chr17-7909196-G-A. GRCh37 (hg19) VCF-style: chr17-7812514-G-A.
Other names: c.5625G>A, p.Leu1875= (NM_001005271.3); c.5346G>A, p.Leu1782= (NM_005852.4).
Identifiers: ClinVar variation 3034503 (VCV003034503.2), dbSNP rs1335008567, ClinGen allele CA497749824.

ClinVar aggregate classification (germline): Likely benign (0 of 4 stars; one submission).

Conditions:
CHD3-related disorder. Also called: CHD3-related condition.

Allele frequency attached by ClinVar (database versions not stated): gnomAD exomes below 0.00001; TOPMed below 0.00001; gnomAD 0.00001.

Submission:

PreventionGenetics, part of Exact Sciences
Classification: Likely benign for CHD3-related condition. Last evaluated: 2019-06-07. Review status: no assertion criteria provided. Collection method: clinical testing. Allele origin: germline.
Comment: This variant is classified as likely benign based on ACMG/AMP sequence variant interpretation guidelines (Richards et al. 2015 PMID: 25741868, with internal and published modifications).